The following is an entry in ClinVar:

NM_006389.5(HYOU1):c.2581A>C (p.Ile861Leu)

Gene: HYOU1 (hypoxia up-regulated 1; minus strand). Cytogenetic location: 11q23.3.
Variant type: single nucleotide variant.
Coding change: c.2581A>C on transcript NM_006389.5 (MANE Select); coding-DNA position 2581, A replaced by C.
Protein change: p.Ile861Leu; replaces isoleucine 861 with leucine.
Molecular consequence: missense variant.
Genome position (GRCh38, 1-based): chr11:119,047,748, T>G on the plus strand (A>C on the coding strand, the complement: HYOU1 is on the minus strand). VCF-style: chr11-119047748-T-G. GRCh37 (hg19) VCF-style: chr11-118918460-T-G.
Other names: c.2581A>C, p.Ile861Leu (NM_001130991.3, NM_001411041.1); short protein forms I861L.
Identifiers: ClinVar variation 2817511 (VCV002817511.3), dbSNP rs2497107318, ClinGen allele CA382922692.

ClinVar aggregate classification (germline): Uncertain significance (1 of 4 stars; one submission).

Allele frequency attached by ClinVar (database versions not stated): gnomAD exomes below 0.00001.
gnomAD v4.1: 4 of 1,613,824 alleles (0.00025%); highest among the groups gnomAD compares: East Asian, 0.0045%; no homozygotes.

Submission:

Labcorp Genetics (formerly Invitae), Labcorp
Classification: Uncertain significance. Last evaluated: 2023-01-20. Review status: criteria provided, single submitter. Criteria: Invitae Variant Classification Sherloc (09022015). Collection method: clinical testing. Allele origin: germline.
Comment: This sequence change replaces isoleucine, which is neutral and non-polar, with leucine, which is neutral and non-polar, at codon 861 of the HYOU1 protein (p.Ile861Leu). This variant is not present in population databases (gnomAD no frequency). This variant has not been reported in the literature in individuals affected with HYOU1-related conditions. An algorithm developed to predict the effect of missense changes on protein structure and function (PolyPhen-2) suggests that this variant is likely to be tolerated. In summary, the available evidence is currently insufficient to determine the role of this variant in disease. Therefore, it has been classified as a Variant of Uncertain Significance.